The following is an entry in ClinVar:

NM_004168.4(SDHA):c.464del (p.Asn155fs)

Gene: SDHA (succinate dehydrogenase complex flavoprotein subunit A; plus strand). Cytogenetic location: 5p15.33.
Variant type: Deletion.
Coding change: c.464del on transcript NM_004168.4 (MANE Select); coding-DNA position 464, one base deleted (A; older notation c.464delA).
Protein change: p.Asn155fs; shifts the reading frame from asparagine 155.
Molecular consequence: frameshift variant.
Genome position (GRCh38, 1-based): chr5:225,890, A deleted; the last of 4 consecutive A bases (chr5:225,887-225,890); deleting any one gives the same sequence. VCF-style (leftmost placement, unchanged base first): chr5-225886-GA-G. GRCh37 (hg19) VCF-style: chr5-226001-GA-G.
Other names: c.464delA (NM_004168.3, NM_004168.2); c.320del, p.Asn107fs (NM_001294332.2); c.464del, p.Asn155fs (NM_001330758.2); short protein forms N107fs, N155fs.
Identifiers: ClinVar variation 2946709 (VCV002946709.8), dbSNP rs1734986168, ClinGen allele CA1072368582.

ClinVar aggregate classification (germline): Pathogenic. Review status: criteria provided, multiple submitters, no conflicts (2 of 4 stars). 4 submissions from 4 submitters: Pathogenic (4). Last evaluated 2025-11-26.

Conditions:
Mitochondrial complex II deficiency, nuclear type 1. Also called: SUCCINATE CoQ REDUCTASE DEFICIENCY. Identifiers: Orphanet 3208, MedGen C5700310, MONDO:0100294, OMIM 252011.
Pheochromocytoma/paraganglioma syndrome 5. Also called: Paragangliomas 5; SDHA-Related Hereditary Paraganglioma-Pheochromocytoma Syndrome. Identifiers: Orphanet 29072, MedGen C3279992, MONDO:0013602, OMIM 614165.
SDHA-related disorder. Also called: SDHA-related condition; SDHA-related disorders.
Hereditary cancer-predisposing syndrome. Also called: Tumor predisposition; Hereditary Cancer Syndrome; Neoplastic Syndromes, Hereditary; Hereditary neoplastic syndrome. Identifiers: Orphanet 140162, MedGen C0027672, MeSH D009386, MONDO:0015356.

Submissions (4):

Ambry Genetics
Classification: Pathogenic for Hereditary cancer-predisposing syndrome. Last evaluated: 2025-11-26. Review status: criteria provided, single submitter. Criteria: Ambry Variant Classification Scheme 2023. Collection method: clinical testing. Allele origin: germline.
Comment: The c.464delA pathogenic mutation, located in coding exon 5 of the SDHA gene, results from a deletion of one nucleotide at nucleotide position 464, causing a translational frameshift with a predicted alternate stop codon (p.N155Ifs*71). This variant is considered to be rare based on population cohorts in the Genome Aggregation Database (gnomAD). This alteration is expected to result in loss of function by premature protein truncation or nonsense-mediated mRNA decay. As such, this alteration is interpreted as a disease-causing mutation.

Labcorp Genetics (formerly Invitae), Labcorp
Classification: Pathogenic for Pheochromocytoma/paraganglioma syndrome 5; Mitochondrial complex II deficiency, nuclear type 1. Last evaluated: 2025-11-12. Review status: criteria provided, single submitter. Criteria: Invitae Variant Classification Sherloc (09022015). Collection method: clinical testing. Allele origin: germline.
Comment: This sequence change creates a premature translational stop signal (p.Asn155Ilefs*71) in the SDHA gene. It is expected to result in an absent or disrupted protein product. Loss-of-function variants in SDHA are known to be pathogenic (PMID: 22974104, 24781757). This variant is not present in population databases (gnomAD no frequency). This variant has not been reported in the literature in individuals affected with SDHA-related conditions. ClinVar contains an entry for this variant (Variation ID: 2946709). For these reasons, this variant has been classified as Pathogenic.

PreventionGenetics, part of Exact Sciences
Classification: Pathogenic for SDHA-related condition. Last evaluated: 2025-07-03. Review status: criteria provided, single submitter. Criteria: ACMG Guidelines, 2015. Collection method: clinical testing. Allele origin: germline.
Comment: The SDHA c.464delA variant is predicted to result in a frameshift and premature protein termination (p.Asn155Ilefs*71). To our knowledge, this variant has not been reported in the literature or in a large population database (gnomAD), indicating this variant is rare. Frameshift variants in SDHA are expected to be pathogenic. This variant is interpreted as pathogenic.

Myriad Genetics, Inc.
Classification: Pathogenic for Pheochromocytoma/paraganglioma syndrome 5. Last evaluated: 2024-02-21. Review status: criteria provided, single submitter. Criteria: Myriad Autosomal Dominant, Autosomal Recessive and X-Linked Classification Criteria (2023). Collection method: clinical testing. Allele origin: unknown.
Comment: This variant is considered pathogenic. This variant creates a frameshift predicted to result in premature protein truncation.

Literature cited by the submitters: PubMed 22974104 (cited by Labcorp Genetics (formerly Invitae), Labcorp); PubMed 24781757 (cited by Labcorp Genetics (formerly Invitae), Labcorp).